The following is an entry in ClinVar:

NM_001079802.2(FKTN):c.784T>C (p.Tyr262His)

Gene: FKTN (fukutin; plus strand). Cytogenetic location: 9q31.2.
Variant type: single nucleotide variant.
Coding change: c.784T>C on transcript NM_001079802.2 (MANE Select); coding-DNA position 784, T replaced by C.
Protein change: p.Tyr262His; replaces tyrosine 262 with histidine.
Molecular consequence: missense variant. On other transcripts: non-coding transcript variant (1).
Genome position (GRCh38, 1-based): chr9:105,615,281, T>C. VCF-style: chr9-105615281-T-C. GRCh37 (hg19) VCF-style: chr9-108377562-T-C.
Other names: c.784T>C, p.Tyr262His (NM_001198963.2, NM_001351496.2, NM_001351498.2 and 1 more transcripts); c.715T>C, p.Tyr239His (NM_001351497.2); c.388T>C, p.Tyr130His (NM_001351499.2, NM_001351500.2, NM_001351501.2 and 1 more transcripts); short protein forms Y130H, Y262H, Y239H.
Identifiers: ClinVar variation 2181559 (VCV002181559.2), dbSNP rs2539655599, ClinGen allele CA374377091.

ClinVar aggregate classification (germline): Uncertain significance (1 of 4 stars; one submission).

Conditions:
Walker-Warburg congenital muscular dystrophy. Also called: Muscular dystrophy-dystroglycanopathy, type A; Walker-Warburg syndrome. Identifiers: Orphanet 899, MedGen C0265221, MONDO:0000171.

Submission:

Labcorp Genetics (formerly Invitae), Labcorp
Classification: Uncertain significance for Walker-Warburg congenital muscular dystrophy. Last evaluated: 2022-04-17. Review status: criteria provided, single submitter. Criteria: Invitae Variant Classification Sherloc (09022015). Collection method: clinical testing. Allele origin: germline.
Comment: Algorithms developed to predict the effect of missense changes on protein structure and function are either unavailable or do not agree on the potential impact of this missense change (SIFT: "Deleterious"; PolyPhen-2: "Benign"; Align-GVGD: "Class C65"). This sequence change replaces tyrosine, which is neutral and polar, with histidine, which is basic and polar, at codon 262 of the FKTN protein (p.Tyr262His). This variant is not present in population databases (gnomAD no frequency). This variant has not been reported in the literature in individuals affected with FKTN-related conditions. In summary, the available evidence is currently insufficient to determine the role of this variant in disease. Therefore, it has been classified as a Variant of Uncertain Significance.